The following is an entry in ClinVar:

NM_001267550.2(TTN):c.87706+3A>C

Genes: TTN (titin; minus strand), TTN-AS1 (TTN antisense RNA 1; plus strand). Cytogenetic location: 2q31.2.
Variant type: single nucleotide variant.
Coding change: c.87706+3A>C on transcript NM_001267550.2 (MANE Select); 3 bases into the intron after coding-DNA position 87706, A replaced by C.
Molecular consequence: intron variant.
Genome position (GRCh38, 1-based): chr2:178,557,645, T>G on the plus strand (A>C on the coding strand, the complement: TTN is on the minus strand). VCF-style: chr2-178557645-T-G. GRCh37 (hg19) VCF-style: chr2-179422372-T-G.
Other names: c.60511+3A>C (NM_003319.4); c.61087+3A>C (NM_133437.4); c.60886+3A>C (NM_133432.3); c.80002+3A>C (NM_133378.4); c.82783+3A>C (NM_001256850.1).
Identifiers: ClinVar variation 1751280 (VCV001751280.2), dbSNP rs2469539078, ClinGen allele CA2580064615.

ClinVar aggregate classification (germline): Uncertain significance (1 of 4 stars; one submission).

Conditions:
Cardiovascular phenotype. Identifiers: MedGen CN230736.

Submission:

Ambry Genetics
Classification: Uncertain significance for Cardiovascular phenotype. Last evaluated: 2022-04-19. Review status: criteria provided, single submitter. Criteria: Ambry Variant Classification Scheme 2023. Collection method: clinical testing. Allele origin: germline.
Comment: The c.60511+3A>C intronic variant results from an A to C substitution 3 nucleotides after coding exon 155 in the TTN gene. This nucleotide position is well conserved in available vertebrate species. In silico splice site analysis predicts that this alteration will weaken the native splice donor site. Since supporting evidence is limited at this time, the clinical significance of this alteration remains unclear.